The following is an entry in ClinVar:

ClinVar aggregate classification (germline): Pathogenic (1 of 4 stars; one submission).

Conditions:
Primary ciliary dyskinesia. Also called: Ciliary dyskinesia. Identifiers: Orphanet 244, MedGen C0008780, MONDO:0016575, HP:0012265.

gnomAD v4.1: 10 of 1,612,880 alleles (0.00062%); highest among the groups gnomAD compares: South Asian, 0.0011%; no homozygotes.

Submission:

Labcorp Genetics (formerly Invitae), Labcorp
Classification: Pathogenic for Primary ciliary dyskinesia. Last evaluated: 2025-09-10. Review status: criteria provided, single submitter. Criteria: Invitae Variant Classification Sherloc (09022015). Collection method: clinical testing. Allele origin: germline.
Comment: This sequence change creates a premature translational stop signal (p.Arg91*) in the DNAH8 gene. It is expected to result in an absent or disrupted protein product. Loss-of-function variants in DNAH8 are known to be pathogenic (PMID: 24307375, 32619401, 32681648). This variant is not present in population databases (gnomAD no frequency). This variant has not been reported in the literature in individuals affected with DNAH8-related conditions. For these reasons, this variant has been classified as Pathogenic.

Literature cited by the submitters: PubMed 24307375; PubMed 32619401; PubMed 32681648.

NM_001206927.2(DNAH8):c.271C>T (p.Arg91Ter)

Genes: DNAH8 (dynein axonemal heavy chain 8; plus strand), LOC126859667 (BRD4-independent group 4 enhancer GRCh37_chr6:38690326-38691525; plus strand). Cytogenetic location: 6p21.2.
Variant type: single nucleotide variant.
Coding change: c.271C>T on transcript NM_001206927.2 (MANE Select); coding-DNA position 271, C replaced by T.
Protein change: p.Arg91Ter; replaces arginine 91 with a stop codon.
Molecular consequence: nonsense. On other transcripts: 5 prime UTR variant (1).
Genome position (GRCh38, 1-based): chr6:38,723,080, C>T. VCF-style: chr6-38723080-C-T. GRCh37 (hg19) VCF-style: chr6-38690856-C-T.
Other names: c.-296C>T (NM_001371.4); short protein forms R91*.
Identifiers: ClinVar variation 4769551 (VCV004769551.1).
Genomic context (GRCh38, chr6:38,723,080, plus strand): 5'-ATAGTTCTTCCAGATGATCATGAAGCGGATCTGAATAGAGTTCGACAGAGGCTTGCACCG[C>T]GACCGGTTCAGTCAGTGATTTCGGAAGTGCTGTCCTTGCCGTCTTCCCGGAGGTCCTCCA-3'